The following is an entry in ClinVar:

ClinVar aggregate classification (germline): Benign/Likely benign. Review status: criteria provided, multiple submitters, no conflicts (2 of 4 stars). 7 submissions from 7 submitters: Benign (6); Likely benign (1). Last evaluated 2026-02-02.

Conditions:
Primary ciliary dyskinesia. Also called: Ciliary dyskinesia. Identifiers: Orphanet 244, MedGen C0008780, MONDO:0016575, HP:0012265.
Primary ciliary dyskinesia 7. Also called: CILIARY DYSKINESIA, PRIMARY, 7, WITH OR WITHOUT SITUS INVERSUS. Identifiers: Orphanet 244, MedGen C2678473, MONDO:0012748, OMIM 611884.

Allele frequency attached by ClinVar (database versions not stated): gnomAD exomes 0.00685; ExAC 0.00796; 1000 Genomes Project 0.02336; ESP Exome Variant Server 0.02549; gnomAD 0.02644 and 0.02832; 1000 Genomes Project 30x 0.02686; TOPMed 0.02846.
gnomAD v4.1: 8,579 of 1,601,468 alleles (0.54%); highest among the groups gnomAD compares: African/African-American, 8.7%; 310 homozygotes.

Submissions (7):

Labcorp Genetics (formerly Invitae), Labcorp
Classification: Benign for Primary ciliary dyskinesia. Last evaluated: 2026-02-02. Review status: criteria provided, single submitter. Criteria: Invitae Variant Classification Sherloc (09022015). Collection method: clinical testing. Allele origin: germline.

ARUP Laboratories, Molecular Genetics and Genomics, ARUP Laboratories
Classification: Benign for Primary ciliary dyskinesia 7. Last evaluated: 2024-10-18. Review status: criteria provided, single submitter. Criteria: ARUP Molecular Germline Variant Investigation Process 2024. Collection method: clinical testing. Allele origin: germline.

Mayo Clinic Laboratories, Mayo Clinic
Classification: Benign. Last evaluated: 2023-03-17. Review status: criteria provided, single submitter. Criteria: ACMG Guidelines, 2015. Collection method: clinical testing. Allele origin: germline. Observed: 7 variant alleles.

GeneDx
Classification: Benign. Last evaluated: 2021-02-17. Review status: criteria provided, single submitter. Criteria: GeneDx Variant Classification Process June 2021. Collection method: clinical testing. Allele origin: germline. Affected: yes.

Laboratory for Molecular Medicine, Mass General Brigham Personalized Medicine
Classification: Benign. Last evaluated: 2013-02-21. Review status: criteria provided, single submitter. Criteria: LMM Criteria. Collection method: clinical testing. Allele origin: germline. Observed: 1 variant allele.
Comment: Ala4516Val in exon 82 of DNAH11: This variant is not expected to have clinical s ignificance because it has been identified in 7.6% (301/3954) of African America n chromosomes from a broad population by the NHLBI Exome Sequencing Project (dbSNP rs72658840).

Breakthrough Genomics
Classification: Likely benign. Review status: criteria provided, single submitter. Criteria: ACMG Guidelines, 2015. Collection method: not provided. Allele origin: germline. Inheritance: Autosomal recessive inheritance. Affected: yes.

PreventionGenetics, part of Exact Sciences
Classification: Benign. Review status: criteria provided, single submitter. Criteria: ACMG Guidelines, 2015. Collection method: clinical testing. Allele origin: germline.

NM_001277115.2(DNAH11):c.13547C>T (p.Ala4516Val)

Genes: CDCA7L (cell division cycle associated 7 like; minus strand), DNAH11 (dynein axonemal heavy chain 11; plus strand). Cytogenetic location: 7p15.3.
Variant type: single nucleotide variant.
Coding change: c.13547C>T on transcript NM_001277115.2 (MANE Select); coding-DNA position 13547, C replaced by T.
Protein change: p.Ala4516Val; replaces alanine 4516 with valine.
Molecular consequence: missense variant. On other transcripts: 3 prime UTR variant (3).
Genome position (GRCh38, 1-based): chr7:21,901,250, C>T. VCF-style: chr7-21901250-C-T. GRCh37 (hg19) VCF-style: chr7-21940868-C-T.
Other names: c.*1072G>A (NM_001127370.3, NM_001127371.3, NM_018719.5); short protein forms A4516V.
Identifiers: ClinVar variation 226582 (VCV000226582.25), dbSNP rs72658840, ClinGen allele CA4183521.